The following is an entry in ClinVar:

ClinVar aggregate classification (germline): Uncertain significance. Review status: criteria provided, multiple submitters, no conflicts (2 of 4 stars). 2 submissions from 2 submitters: Uncertain significance (2). Last evaluated 2025-11-09.

Conditions:
Hereditary cancer-predisposing syndrome. Also called: Neoplastic Syndromes, Hereditary; Tumor predisposition; Hereditary neoplastic syndrome; Hereditary Cancer Syndrome. Identifiers: Orphanet 140162, MedGen C0027672, MeSH D009386, MONDO:0015356.

Submissions (2):

Labcorp Genetics (formerly Invitae), Labcorp
Classification: Uncertain significance. Last evaluated: 2025-11-09. Review status: criteria provided, single submitter. Criteria: Invitae Variant Classification Sherloc (09022015). Collection method: clinical testing. Allele origin: germline.
Comment: This sequence change replaces alanine, which is neutral and non-polar, with serine, which is neutral and polar, at codon 212 of the HOXB13 protein (p.Ala212Ser). The frequency data for this variant in the population databases is considered unreliable, as metrics indicate poor data quality at this position in the gnomAD database. This variant has not been reported in the literature in individuals affected with HOXB13-related conditions. ClinVar contains an entry for this variant (Variation ID: 826342). Invitae Evidence Modeling of protein sequence and biophysical properties (such as structural, functional, and spatial information, amino acid conservation, physicochemical variation, residue mobility, and thermodynamic stability) indicates that this missense variant is not expected to disrupt HOXB13 protein function with a negative predictive value of 80%. In summary, the available evidence is currently insufficient to determine the role of this variant in disease. Therefore, it has been classified as a Variant of Uncertain Significance.

Ambry Genetics
Classification: Uncertain significance for Hereditary cancer-predisposing syndrome. Last evaluated: 2024-07-13. Review status: criteria provided, single submitter. Criteria: Ambry Variant Classification Scheme 2023. Collection method: clinical testing. Allele origin: germline.
Comment: The p.A212S variant (also known as c.634G>T), located in coding exon 2 of the HOXB13 gene, results from a G to T substitution at nucleotide position 634. The alanine at codon 212 is replaced by serine, an amino acid with similar properties. This amino acid position is not well conserved in available vertebrate species. In addition, this alteration is predicted to be tolerated by in silico analysis. Since supporting evidence is limited at this time, the clinical significance of this alteration remains unclear.

NM_006361.6(HOXB13):c.634G>T (p.Ala212Ser)

Gene: HOXB13 (homeobox B13; minus strand). Cytogenetic location: 17q21.32.
Variant type: single nucleotide variant.
Coding change: c.634G>T on transcript NM_006361.6 (MANE Select); coding-DNA position 634, G replaced by T.
Protein change: p.Ala212Ser; replaces alanine 212 with serine.
Molecular consequence: missense variant.
Genome position (GRCh38, 1-based): chr17:48,727,011, C>A on the plus strand (G>T on the coding strand, the complement: HOXB13 is on the minus strand). VCF-style: chr17-48727011-C-A. GRCh37 (hg19) VCF-style: chr17-46804373-C-A.
Other names: short protein forms A212S.
Identifiers: ClinVar variation 826342 (VCV000826342.15), dbSNP rs145059285, ClinGen allele CA8633936.